The following is an entry in ClinVar:

ClinVar aggregate classification (germline): Benign (0 of 4 stars; one submission).

Conditions:
CIBAR1-related disorder. Also called: CIBAR1-related condition.

Allele frequency attached by ClinVar (database versions not stated): 1000 Genomes Project 0.06230; 1000 Genomes Project 30x 0.06246; TOPMed 0.09444; gnomAD 0.09529; ESP Exome Variant Server 0.10141; ExAC 0.10150; gnomAD exomes 0.11163.
gnomAD v4.1: 177,144 of 1,610,312 alleles (11%); highest among the groups gnomAD compares: Non-Finnish European, 12%; 10,792 homozygotes.

Submission:

PreventionGenetics, part of Exact Sciences
Classification: Benign for CIBAR1-related condition. Last evaluated: 2019-10-28. Review status: no assertion criteria provided. Collection method: clinical testing. Allele origin: germline.
Comment: This variant is classified as benign based on ACMG/AMP sequence variant interpretation guidelines (Richards et al. 2015 PMID: 25741868, with internal and published modifications).

NM_145269.5(CIBAR1):c.665G>A (p.Arg222Gln)

Gene: CIBAR1 (CBY1 interacting BAR domain containing 1; plus strand). Cytogenetic location: 8q22.1.
Variant type: single nucleotide variant.
Coding change: c.665G>A on transcript NM_145269.5 (MANE Select); coding-DNA position 665, G replaced by A.
Protein change: p.Arg222Gln; replaces arginine 222 with glutamine.
Molecular consequence: missense variant. On other transcripts: non-coding transcript variant (5).
Genome position (GRCh38, 1-based): chr8:93,726,401, G>A. VCF-style: chr8-93726401-G-A. GRCh37 (hg19) VCF-style: chr8-94738629-G-A.
Other names: c.551G>A, p.Arg184Gln (NM_001283034.2); short protein forms R184Q, R222Q.
Identifiers: ClinVar variation 3056249 (VCV003056249.2), dbSNP rs36117362, ClinGen allele CA4806735.